The following is an entry in ClinVar:

NM_152416.4(NDUFAF6):c.428A>G (p.Lys143Arg)

Gene: NDUFAF6 (NADH:ubiquinone oxidoreductase complex assembly factor 6; plus strand). Cytogenetic location: 8q22.1.
Variant type: single nucleotide variant.
Coding change: c.428A>G on transcript NM_152416.4 (MANE Select); coding-DNA position 428, A replaced by G.
Protein change: p.Lys143Arg; replaces lysine 143 with arginine.
Molecular consequence: missense variant. On other transcripts: 5 prime UTR variant (10), non-coding transcript variant (6).
Genome position (GRCh38, 1-based): chr8:95,041,577, A>G. VCF-style: chr8-95041577-A-G. GRCh37 (hg19) VCF-style: chr8-96053805-A-G.
Other names: c.152A>G, p.Lys51Arg (NM_001330582.2, NM_001354514.2, NM_001354515.2 and 1 more transcripts); c.272A>G, p.Lys91Arg (NM_001354516.2); c.95A>G, p.Lys32Arg (NM_001354517.2, NM_001354518.2, NM_001354519.2 and 1 more transcripts); c.-29A>G (NM_001354522.2, NM_001354524.2, NM_001354525.2 and 7 more transcripts); short protein forms K143R, K32R, K51R, K91R.
Identifiers: ClinVar variation 1706210 (VCV001706210.2), dbSNP rs2536836443, ClinGen allele CA371745296.
Genomic context (GRCh38, chr8:95,041,577, plus strand): 5'-CAGAAGTCATTTCTAGTACTTTCTAAAAACTTATAATGCTCTTTGTTTTTTAGGCTGTTA[A>G]AAGACATAATCTGACTAAAAGATGGCTTATGAAAATCGTCGATGAAAGAGTGAGTCAAAA-3'
Protein context (NP_689629.2, residues 133-153): PVAIELWKAV[Lys143Arg]RHNLTKRWLM

ClinVar aggregate classification (germline): Uncertain significance (1 of 4 stars; one submission).

Submission:

GeneDx
Classification: Uncertain significance. Last evaluated: 2022-03-18. Review status: criteria provided, single submitter. Criteria: GeneDx Variant Classification Process June 2021. Collection method: clinical testing. Allele origin: germline. Affected: yes.
Comment: Not observed at significant frequency in large population cohorts (gnomAD); In silico analysis supports that this missense variant does not alter protein structure/function; Has not been previously published as pathogenic or benign to our knowledge